The following is an entry in ClinVar:

ClinVar aggregate classification (germline): Uncertain significance. Review status: criteria provided, multiple submitters, no conflicts (2 of 4 stars). 2 submissions from 2 submitters: Uncertain significance (2). Last evaluated 2025-01-27.

Conditions:
Familial sleep-related hypermotor epilepsy. Also called: Autosomal Dominant Sleep-Related Hypermotor (Hyperkinetic) Epilepsy. Identifiers: Orphanet 98784, MedGen C3696898, MONDO:0000030.
Inborn genetic diseases. Identifiers: MedGen C0950123, MeSH D030342.

Submissions (2):

Labcorp Genetics (formerly Invitae), Labcorp
Classification: Uncertain significance. Last evaluated: 2025-01-27. Review status: criteria provided, single submitter. Criteria: Invitae Variant Classification Sherloc (09022015). Collection method: clinical testing. Allele origin: germline.
Comment: This sequence change replaces glycine, which is neutral and non-polar, with valine, which is neutral and non-polar, at codon 5 of the CHRNA4 protein (p.Gly5Val). The frequency data for this variant in the population databases is considered unreliable, as metrics indicate poor data quality at this position in the gnomAD database. This variant has not been reported in the literature in individuals affected with CHRNA4-related conditions. ClinVar contains an entry for this variant (Variation ID: 1043970). Experimental studies and prediction algorithms are not available or were not evaluated, and the functional significance of this variant is currently unknown. In summary, the available evidence is currently insufficient to determine the role of this variant in disease. Therefore, it has been classified as a Variant of Uncertain Significance.

Ambry Genetics
Classification: Uncertain significance for Inborn genetic diseases. Last evaluated: 2024-08-04. Review status: criteria provided, single submitter. Criteria: Ambry Variant Classification Scheme 2023. Collection method: clinical testing. Allele origin: germline.

NM_000744.7(CHRNA4):c.14G>T (p.Gly5Val)

Genes: CHRNA4 (cholinergic receptor nicotinic alpha 4 subunit; minus strand), LOC100130587 (uncharacterized LOC100130587; plus strand). Cytogenetic location: 20q13.33.
Variant type: single nucleotide variant.
Coding change: c.14G>T on transcript NM_000744.7 (MANE Select); coding-DNA position 14, G replaced by T.
Protein change: p.Gly5Val; replaces glycine 5 with valine.
Molecular consequence: missense variant. On other transcripts: non-coding transcript variant (1), intron variant (1).
Genome position (GRCh38, 1-based): chr20:63,361,152, C>A on the plus strand (G>T on the coding strand, the complement: CHRNA4 is on the minus strand). VCF-style: chr20-63361152-C-A. GRCh37 (hg19) VCF-style: chr20-61992504-C-A.
Other names: c.-471+25G>T (NM_001256573.2); c.14G>T (NM_000744.5); short protein forms G5V.
Identifiers: ClinVar variation 1043970 (VCV001043970.9), dbSNP rs946142547, ClinGen allele CA317447591.